The following is an entry in ClinVar:

NM_000093.5(COL5A1):c.4385del (p.Gly1462fs)

Gene: COL5A1 (collagen type V alpha 1 chain; plus strand). Cytogenetic location: 9q34.3.
Variant type: Deletion.
Coding change: c.4385del on transcript NM_000093.5 (MANE Select); coding-DNA position 4385, one base deleted (G; older notation c.4385delG).
Protein change: p.Gly1462fs; shifts the reading frame from glycine 1462.
Molecular consequence: frameshift variant.
Genome position (GRCh38, 1-based): chr9:134,818,894, G deleted; the last of 2 consecutive G bases (chr9:134,818,893-134,818,894); deleting either gives the same sequence. VCF-style (leftmost placement, unchanged base first): chr9-134818892-CG-C. GRCh37 (hg19) VCF-style: chr9-137710738-CG-C.
Other names: c.4385del, p.Gly1462fs (NM_001278074.1); short protein forms G1462fs.
Identifiers: ClinVar variation 1457097 (VCV001457097.8), dbSNP rs2132864836, ClinGen allele CA2573144143.

ClinVar aggregate classification (germline): Pathogenic (1 of 4 stars; one submission).

Conditions:
Ehlers-Danlos syndrome, classic type, 1 (EDSCL1). Also called: EHLERS-DANLOS SYNDROME, GRAVIS TYPE; EHLERS-DANLOS SYNDROME, SEVERE CLASSIC TYPE; Ehlers-Danlos syndrome, type 1; Ehlers-Danlos Syndrome, Classic Type, COL5A1-Related; EDS I. Identifiers: MedGen C0268335, MONDO:0019567, OMIM 130000.

Submission:

Labcorp Genetics (formerly Invitae), Labcorp
Classification: Pathogenic for Ehlers-Danlos syndrome, classic type, 1. Last evaluated: 2022-07-05. Review status: criteria provided, single submitter. Criteria: Invitae Variant Classification Sherloc (09022015). Collection method: clinical testing. Allele origin: germline.
Comment: For these reasons, this variant has been classified as Pathogenic. ClinVar contains an entry for this variant (Variation ID: 1457097). This premature translational stop signal has been observed in individual(s) with Ehlers-Danlos syndrome (PMID: 15580559). This variant is not present in population databases (gnomAD no frequency). This sequence change creates a premature translational stop signal (p.Gly1462Alafs*26) in the COL5A1 gene. It is expected to result in an absent or disrupted protein product. Loss-of-function variants in COL5A1 are known to be pathogenic (PMID: 23587214).

Literature cited by the submitters: PubMed 15580559; PubMed 23587214.